The following is an entry in ClinVar:

ClinVar aggregate classification (germline): Uncertain significance (1 of 4 stars; one submission).

Conditions:
Hepatic veno-occlusive disease-immunodeficiency syndrome. Also called: Hepatic Veno-Occlusive Disease with Immunodeficiency. Identifiers: Orphanet 79124, MedGen C1856128, MONDO:0009338, OMIM 235550. Disease mechanism: loss of function.

Submission:

Labcorp Genetics (formerly Invitae), Labcorp
Classification: Uncertain significance for Hepatic veno-occlusive disease-immunodeficiency syndrome. Last evaluated: 2026-01-11. Review status: criteria provided, single submitter. Criteria: Invitae Variant Classification Sherloc (09022015). Collection method: clinical testing. Allele origin: germline.
Comment: This sequence change replaces histidine, which is basic and polar, with glutamine, which is neutral and polar, at codon 482 of the SP110 protein (p.His482Gln). This variant is not present in population databases (gnomAD no frequency). This variant has not been reported in the literature in individuals affected with SP110-related conditions. An algorithm developed to predict the effect of missense changes on protein structure and function outputs the following: PolyPhen-2: "Benign". The glutamine amino acid residue is found in multiple mammalian species, which suggests that this missense change does not adversely affect protein function. In summary, the available evidence is currently insufficient to determine the role of this variant in disease. Therefore, it has been classified as a Variant of Uncertain Significance.

NM_080424.4(SP110):c.1446C>A (p.His482Gln)

Gene: SP110 (SP110 nuclear body protein; minus strand). Cytogenetic location: 2q37.1.
Variant type: single nucleotide variant.
Coding change: c.1446C>A on transcript NM_080424.4 (MANE Select); coding-DNA position 1446, C replaced by A.
Protein change: p.His482Gln; replaces histidine 482 with glutamine.
Molecular consequence: missense variant.
Genome position (GRCh38, 1-based): chr2:230,178,158, G>T on the plus strand (C>A on the coding strand, the complement: SP110 is on the minus strand). VCF-style: chr2-230178158-G-T. GRCh37 (hg19) VCF-style: chr2-231042874-G-T.
Other names: c.1464C>A, p.His488Gln (NM_001185015.2, NM_001378442.1, NM_001378444.1 and 2 more transcripts); c.1446C>A, p.His482Gln (NM_001378443.1, NM_004509.5, NM_004510.4); c.1296C>A, p.His432Gln (NM_001378447.1); short protein forms H432Q, H488Q, H482Q.
Identifiers: ClinVar variation 4735048 (VCV004735048.1).
Genomic context (GRCh38, chr2:230,178,158, plus strand): 5'-TCCCTTCTAGTGAGTCCTTCATCTAGGGATTCCAAAGAGCAGAAGACCAAGGAACTCACC[G>T]TGTTTCATTTTCTTCTTATATAAAATCCCTTTCGCCTCACCACAGGTCACGGGGAGCTTA-3'
Protein context (NP_536349.3, residues 472-492): KGILYKKKMK[His482Gln]GSSVKCIRNE